The following is an entry in ClinVar:

NM_005751.5(AKAP9):c.3554A>G (p.His1185Arg)

Gene: AKAP9 (A-kinase anchoring protein 9; plus strand). Cytogenetic location: 7q21.2.
Variant type: single nucleotide variant.
Coding change: c.3554A>G on transcript NM_005751.5 (MANE Select); coding-DNA position 3554, A replaced by G.
Protein change: p.His1185Arg; replaces histidine 1185 with arginine.
Molecular consequence: missense variant.
Genome position (GRCh38, 1-based): chr7:92,014,270, A>G. VCF-style: chr7-92014270-A-G. GRCh37 (hg19) VCF-style: chr7-91643584-A-G.
Other names: c.3554A>G, p.His1185Arg (NM_147185.3); short protein forms H1185R.
Identifiers: ClinVar variation 3225044 (VCV003225044.1), dbSNP rs969969451, ClinGen allele CA161884613.
Genomic context (GRCh38, chr7:92,014,270, plus strand): 5'-TGTAAATTGAATTTCTTAATCCATTATCTGTTCTATTAGGTGATGAAGGAAAGCCTTTAC[A>G]TCTGCTCATTGGAAAACTTCAAAAGGCAGTGTCTGAAGAATGTTCTTATTTTTTACAGGT-3'
Protein context (NP_005742.4, residues 1175-1195): QETGDEGKPL[His1185Arg]LLIGKLQKAV

ClinVar aggregate classification (germline): Uncertain significance (1 of 4 stars; one submission).

Conditions:
Cardiovascular phenotype. Identifiers: MedGen CN230736.

gnomAD v4.1: 3 of 1,613,028 alleles (0.00019%); highest among the groups gnomAD compares: African/African-American, 0.004%; no homozygotes.

Submission:

Ambry Genetics
Classification: Uncertain significance for Cardiovascular phenotype. Last evaluated: 2023-10-26. Review status: criteria provided, single submitter. Criteria: Ambry Variant Classification Scheme 2023. Collection method: clinical testing. Allele origin: germline.
Comment: The p.H1185R variant (also known as c.3554A>G), located in coding exon 10 of the AKAP9 gene, results from an A to G substitution at nucleotide position 3554. The histidine at codon 1185 is replaced by arginine, an amino acid with highly similar properties. This amino acid position is conserved. In addition, this alteration is predicted to be tolerated by in silico analysis. Since supporting evidence is limited at this time, the clinical significance of this alteration remains unclear.